The following is an entry in ClinVar:

ClinVar aggregate classification (germline): Uncertain significance (1 of 4 stars; one submission).

Conditions:
Kabuki syndrome. Also called: Kabuki make-up syndrome; NIIKAWA-KUROKI SYNDROME. Identifiers: Orphanet 2322, MedGen C0796004, MONDO:0016512.

gnomAD v4.1: 1 of 1,611,766 alleles (0.000062%); no homozygotes.

Submission:

Labcorp Genetics (formerly Invitae), Labcorp
Classification: Uncertain significance for Kabuki syndrome. Last evaluated: 2021-04-08. Review status: criteria provided, single submitter. Criteria: Invitae Variant Classification Sherloc (09022015). Collection method: clinical testing. Allele origin: germline.
Comment: Advanced modeling of protein sequence and biophysical properties (such as structural, functional, and spatial information, amino acid conservation, physicochemical variation, residue mobility, and thermodynamic stability) performed at Invitae indicates that this missense variant is expected to disrupt KMT2D protein function. This variant has not been reported in the literature in individuals with KMT2D-related conditions. This variant is not present in population databases (ExAC no frequency). This sequence change replaces tyrosine with cysteine at codon 5228 of the KMT2D protein (p.Tyr5228Cys). The tyrosine residue is moderately conserved and there is a large physicochemical difference between tyrosine and cysteine. In summary, the available evidence is currently insufficient to determine the role of this variant in disease. Therefore, it has been classified as a Variant of Uncertain Significance.

NM_003482.4(KMT2D):c.15683A>G (p.Tyr5228Cys)

Gene: KMT2D (lysine methyltransferase 2D; minus strand). Cytogenetic location: 12q13.12.
Variant type: single nucleotide variant.
Coding change: c.15683A>G on transcript NM_003482.4 (MANE Select); coding-DNA position 15683, A replaced by G.
Protein change: p.Tyr5228Cys; replaces tyrosine 5228 with cysteine.
Molecular consequence: missense variant.
Genome position (GRCh38, 1-based): chr12:49,026,283, T>C on the plus strand (A>G on the coding strand, the complement: KMT2D is on the minus strand). VCF-style: chr12-49026283-T-C. GRCh37 (hg19) VCF-style: chr12-49420066-T-C.
Other names: short protein forms Y5228C.
Identifiers: ClinVar variation 1524321 (VCV001524321.8), dbSNP rs2137715127, ClinGen allele CA384685677.